The following is an entry in ClinVar:

ClinVar aggregate classification (germline): Uncertain significance (1 of 4 stars; one submission).

Conditions:
Hereditary cancer-predisposing syndrome. Also called: Neoplastic Syndromes, Hereditary; Hereditary Cancer Syndrome; Tumor predisposition; Hereditary neoplastic syndrome. Identifiers: Orphanet 140162, MedGen C0027672, MeSH D009386, MONDO:0015356.

Submission:

Ambry Genetics
Classification: Uncertain significance for Hereditary cancer-predisposing syndrome. Last evaluated: 2025-02-20. Review status: criteria provided, single submitter. Criteria: Ambry Variant Classification Scheme 2023. Collection method: clinical testing. Allele origin: germline.
Comment: The p.K1087R variant (also known as c.3260A>G), located in coding exon 26 of the POLD1 gene, results from an A to G substitution at nucleotide position 3260. The lysine at codon 1087 is replaced by arginine, an amino acid with highly similar properties. This amino acid position is conserved. In addition, this alteration is predicted to be tolerated by in silico analysis. Based on the available evidence, the clinical significance of this variant remains unclear.

NM_002691.4(POLD1):c.3260A>G (p.Lys1087Arg)

Gene: POLD1 (DNA polymerase delta 1, catalytic subunit; plus strand). Cytogenetic location: 19q13.33.
Variant type: single nucleotide variant.
Coding change: c.3260A>G on transcript NM_002691.4 (MANE Select); coding-DNA position 3260, A replaced by G.
Protein change: p.Lys1087Arg; replaces lysine 1087 with arginine.
Molecular consequence: missense variant. On other transcripts: non-coding transcript variant (1).
Genome position (GRCh38, 1-based): chr19:50,417,883, A>G. VCF-style: chr19-50417883-A-G. GRCh37 (hg19) VCF-style: chr19-50921140-A-G.
Other names: c.3260A>G, p.Lys1087Arg (NM_001256849.1); c.3338A>G, p.Lys1113Arg (NM_001308632.1); short protein forms K1087R, K1113R.
Identifiers: ClinVar variation 3781412 (VCV003781412.1).